The following is an entry in ClinVar:

NM_023014.1(PRAMEF2):c.448T>C (p.Phe150Leu)

Genes: PRAMEF2 (PRAME family member 2; plus strand), LOC126805622 (CDK7 strongly-dependent group 2 enhancer GRCh37_chr1:12919058-12920257; plus strand). Cytogenetic location: 1p36.21.
Variant type: single nucleotide variant.
Coding change: c.448T>C on transcript NM_023014.1 (MANE Select); coding-DNA position 448, T replaced by C.
Protein change: p.Phe150Leu; replaces phenylalanine 150 with leucine.
Molecular consequence: missense variant.
Genome position (GRCh38, 1-based): chr1:12,859,853, T>C. VCF-style: chr1-12859853-T-C. GRCh37 (hg19) VCF-style: chr1-12919708-T-C.
Other names: short protein forms F150L.
Identifiers: ClinVar variation 3025333 (VCV003025333.22), dbSNP rs200112299, ClinGen allele CA608032.
Genomic context (GRCh38, chr1:12,859,853, plus strand): 5'-AGTAAGAGGCAGACAGCAGAGGACTGTCCAAGGACGGGAGAGCACCAGCCCTTAAAGGTG[T>C]TCATAGACATCTGCCTCAAGGAAATACCCCAGGATGAATGCCTGAGATACCTCTTCCAGT-3'
Protein context (NP_075390.1, residues 140-160): RTGEHQPLKV[Phe150Leu]IDICLKEIPQ

ClinVar aggregate classification (germline): Likely benign (1 of 4 stars; one submission).

Allele frequency attached by ClinVar (database versions not stated): ExAC 0.00031.

Submission:

CeGaT Center for Human Genetics Tuebingen
Classification: Likely benign. Last evaluated: 2024-01-01. Review status: criteria provided, single submitter. Criteria: CeGaT Center For Human Genetics Tuebingen Variant Classification Criteria Version 2. Collection method: clinical testing. Allele origin: germline. Affected: yes. Observed: 1 variant allele.
Comment: PRAMEF2: BS2